The following is an entry in ClinVar:

NM_000492.4(CFTR):c.249C>G (p.Phe83Leu)

Gene: CFTR (CF transmembrane conductance regulator; plus strand). Cytogenetic location: 7q31.2.
Variant type: single nucleotide variant.
Coding change: c.249C>G on transcript NM_000492.4 (MANE Select); coding-DNA position 249, C replaced by G.
Protein change: p.Phe83Leu; replaces phenylalanine 83 with leucine.
Molecular consequence: missense variant.
Genome position (GRCh38, 1-based): chr7:117,509,118, C>G. VCF-style: chr7-117509118-C-G. GRCh37 (hg19) VCF-style: chr7-117149172-C-G.
Other names: short protein forms F83L.
Identifiers: ClinVar variation 2717685 (VCV002717685.3), dbSNP rs780975618, ClinGen allele CA4450672.

ClinVar aggregate classification (germline): Uncertain significance (1 of 4 stars; one submission).

Conditions:
Cystic fibrosis (CF). Also called: MUCOVISCIDOSIS. Identifiers: Orphanet 586, MedGen C0010674, MONDO:0009061, OMIM 219700. Disease mechanism: loss of function.

Allele frequency attached by ClinVar (database versions not stated): ExAC 0.00001.
gnomAD v4.1: 1 of 1,599,928 alleles (0.000063%); highest among the groups gnomAD compares: Non-Finnish European, 0.000086%; no homozygotes.

Submission:

Labcorp Genetics (formerly Invitae), Labcorp
Classification: Uncertain significance for Cystic fibrosis. Last evaluated: 2023-09-13. Review status: criteria provided, single submitter. Criteria: Invitae Variant Classification Sherloc (09022015). Collection method: clinical testing. Allele origin: germline.
Comment: In summary, the available evidence is currently insufficient to determine the role of this variant in disease. Therefore, it has been classified as a Variant of Uncertain Significance. This sequence change replaces phenylalanine, which is neutral and non-polar, with leucine, which is neutral and non-polar, at codon 83 of the CFTR protein (p.Phe83Leu). This variant is present in population databases (rs780975618, gnomAD 0.0009%). This variant has not been reported in the literature in individuals affected with CFTR-related conditions. Advanced modeling of protein sequence and biophysical properties (such as structural, functional, and spatial information, amino acid conservation, physicochemical variation, residue mobility, and thermodynamic stability) performed at Invitae indicates that this missense variant is not expected to disrupt CFTR protein function.